The following is an entry in ClinVar:

NM_031407.7(HUWE1):c.1582A>G (p.Ile528Val)

Gene: HUWE1 (HECT, UBA and WWE domain containing E3 ubiquitin protein ligase 1; minus strand). Cytogenetic location: Xp11.22.
Variant type: single nucleotide variant.
Coding change: c.1582A>G on transcript NM_031407.7 (MANE Select); coding-DNA position 1582, A replaced by G.
Protein change: p.Ile528Val; replaces isoleucine 528 with valine.
Molecular consequence: missense variant.
Genome position (GRCh38, 1-based): chrX:53,625,166, T>C on the plus strand (A>G on the coding strand, the complement: HUWE1 is on the minus strand). VCF-style: chrX-53625166-T-C. GRCh37 (hg19) VCF-style: chrX-53652127-T-C.
Other names: short protein forms I528V.
Identifiers: ClinVar variation 1311656 (VCV001311656.2), dbSNP rs2148965520, ClinGen allele CA413151764.

ClinVar aggregate classification (germline): Uncertain significance (1 of 4 stars; one submission).

Submission:

GeneDx
Classification: Uncertain significance. Last evaluated: 2019-12-30. Review status: criteria provided, single submitter. Criteria: GeneDx Variant Classification Process June 2021. Collection method: clinical testing. Allele origin: germline. Affected: yes.
Comment: Not observed in large population cohorts (Lek et al., 2016); In silico analysis, which includes protein predictors and evolutionary conservation, supports that this variant does not alter protein structure/function; Has not been previously published as pathogenic or benign to our knowledge